The following is an entry in ClinVar:

NM_001079520.2(DACT1):c.1977C>T (p.Arg659=)

Gene: DACT1 (dishevelled binding antagonist of beta catenin 1; plus strand). Cytogenetic location: 14q23.1.
Variant type: single nucleotide variant.
Coding change: c.1977C>T on transcript NM_001079520.2 (MANE Select); coding-DNA position 1977, C replaced by T.
Protein change: p.Arg659=; no amino-acid change (arginine 659 retained).
Molecular consequence: synonymous variant. On other transcripts: non-coding transcript variant (5).
Genome position (GRCh38, 1-based): chr14:58,646,711, C>T. VCF-style: chr14-58646711-C-T. GRCh37 (hg19) VCF-style: chr14-59113429-C-T.
Other names: c.2088C>T, p.Arg696= (NM_016651.6).
Identifiers: ClinVar variation 3058180 (VCV003058180.2), dbSNP rs147992151, ClinGen allele CA7206961.
Genomic context (GRCh38, chr14:58,646,711, plus strand): 5'-CCGGCGGTGGAAGTCCTCGGCCGAGATTTCCTACGAAGAGGCCCTGAGGAGGGCCCGGCG[C>T]GGTCGCCGGGAGAATGTGGGGCTGTACCCCGCGCCTGTGCCTCTGCCCTACGCCAGCCCC-3'
Protein context (NP_001072988.1, residues 649-669): SYEEALRRAR[Arg659=]GRRENVGLYP

ClinVar aggregate classification (germline): Likely benign (0 of 4 stars; one submission).

Conditions:
DACT1-related disorder. Also called: DACT1-related condition.

Allele frequency attached by ClinVar (database versions not stated): TOPMed 0.00006; gnomAD 0.00009; gnomAD exomes 0.00012; ESP Exome Variant Server 0.00015; ExAC 0.00022; 1000 Genomes Project 30x 0.00047; 1000 Genomes Project 0.00060.
gnomAD v4.1: 196 of 1,613,280 alleles (0.012%); highest among the groups gnomAD compares: South Asian, 0.068%; no homozygotes.

Submission:

PreventionGenetics, part of Exact Sciences
Classification: Likely benign for DACT1-related condition. Last evaluated: 2019-03-22. Review status: no assertion criteria provided. Collection method: clinical testing. Allele origin: germline.
Comment: This variant is classified as likely benign based on ACMG/AMP sequence variant interpretation guidelines (Richards et al. 2015 PMID: 25741868, with internal and published modifications).